The following is an entry in ClinVar:

NM_001698.3(AUH):c.20C>T (p.Ala7Val)

Genes: AUH (AU RNA binding methylglutaconyl-CoA hydratase; minus strand), LOC130002059 (ATAC-STARR-seq lymphoblastoid silent region 20025; plus strand). Cytogenetic location: 9q22.31.
Variant type: single nucleotide variant.
Coding change: c.20C>T on transcript NM_001698.3 (MANE Select); coding-DNA position 20, C replaced by T.
Protein change: p.Ala7Val; replaces alanine 7 with valine.
Molecular consequence: missense variant. On other transcripts: 5 prime UTR variant (3).
Genome position (GRCh38, 1-based): chr9:91,361,870, G>A on the plus strand (C>T on the coding strand, the complement: AUH is on the minus strand). VCF-style: chr9-91361870-G-A. GRCh37 (hg19) VCF-style: chr9-94124152-G-A.
Other names: p.A7V:GCG>GTG; c.20C>T, p.Ala7Val (NM_001306190.2); c.-378C>T (NM_001351431.2, NM_001351433.2); c.-470C>T (NM_001351432.2); short protein forms A7V.
Identifiers: ClinVar variation 214141 (VCV000214141.9), dbSNP rs863223911, ClinGen allele CA321679.
Genomic context (GRCh38, chr9:91,361,870, plus strand): 5'-CTGCAAGCGGCCACCAGGCGGGCGCCGCCAGCATGCAGGGATCCCAAGGCCCCAGGTGCC[G>A]CCGCCACCGCGGCCGCCATGTTGTCTGTTTACGGCGTGGACCTGCGACGGCCGCTCCGCC-3'
Protein context (NP_001689.1, residues 1-17): MAAAVA[Ala7Val]APGALGSLHA

ClinVar aggregate classification (germline): Conflicting classifications of pathogenicity. Review status: criteria provided, conflicting classifications (1 of 4 stars). 3 submissions from 3 submitters: Uncertain significance (2); Likely benign (1). Last evaluated 2021-08-20.

Conditions:
3-methylglutaconic aciduria type 1 (MGCA1). Identifiers: Orphanet 67046, MedGen C0342727, MONDO:0009610, OMIM 250950.

Allele frequency attached by ClinVar (database versions not stated): gnomAD exomes 0.00009; 1000 Genomes Project 30x 0.00016; TOPMed 0.00002.
gnomAD v4.1: 47 of 1,469,068 alleles (0.0032%); highest among the groups gnomAD compares: South Asian, 0.027%; no homozygotes.

Submissions (3):

Labcorp Genetics (formerly Invitae), Labcorp
Classification: Uncertain significance for 3-methylglutaconic aciduria type 1. Last evaluated: 2021-08-20. Review status: criteria provided, single submitter. Criteria: Invitae Variant Classification Sherloc (09022015). Collection method: clinical testing. Allele origin: germline.
Comment: This sequence change replaces alanine with valine at codon 7 of the AUH protein (p.Ala7Val). The alanine residue is weakly conserved and there is a small physicochemical difference between alanine and valine. The frequency data for this variant in the population databases is considered unreliable, as metrics indicate insufficient coverage at this position in the ExAC database. This variant has not been reported in the literature in individuals affected with AUH-related conditions. ClinVar contains an entry for this variant (Variation ID: 214141). In summary, the available evidence is currently insufficient to determine the role of this variant in disease. Therefore, it has been classified as a Variant of Uncertain Significance.

Center for Pediatric Genomic Medicine, Children's Mercy Hospital and Clinics
Classification: Uncertain significance. Last evaluated: 2016-07-01. Review status: criteria provided, single submitter. Criteria: ACMG Guidelines, 2015. Collection method: clinical testing. Allele origin: germline.
ClinVar note: Converted during submission from Uncertain Significance to Uncertain significance.

GeneDx
Classification: Likely benign. Last evaluated: 2014-03-31. Review status: criteria provided, single submitter. Criteria: GeneDx Variant Classification (06012015). Collection method: clinical testing. Allele origin: germline. Affected: yes.
Comment: This variant is considered likely benign or benign based on one or more of the following criteria: it is a conservative change, it occurs at a poorly conserved position in the protein, it is predicted to be benign by multiple in silico algorithms, and/or has population frequency not consistent with disease.